The following is an entry in ClinVar:

ClinVar aggregate classification (germline): Conflicting classifications of pathogenicity. Review status: criteria provided, conflicting classifications (1 of 4 stars). 2 submissions from 2 submitters: Uncertain significance (1); Likely benign (1). Last evaluated 2025-05-19.

Conditions:
Inborn genetic diseases. Identifiers: MedGen C0950123, MeSH D030342.

Allele frequency attached by ClinVar (database versions not stated): gnomAD exomes below 0.00001; TOPMed below 0.00001; gnomAD 0.00001.
gnomAD v4.1: 3 of 1,613,558 alleles (0.00019%); highest among the groups gnomAD compares: African/African-American, 0.004%; no homozygotes.

Submissions (2):

Ambry Genetics
Classification: Likely benign for Inborn genetic diseases. Last evaluated: 2025-05-19. Review status: criteria provided, single submitter. Criteria: Ambry Variant Classification Scheme 2023. Collection method: clinical testing. Allele origin: germline.

Labcorp Genetics (formerly Invitae), Labcorp
Classification: Uncertain significance. Last evaluated: 2024-11-18. Review status: criteria provided, single submitter. Criteria: Invitae Variant Classification Sherloc (09022015). Collection method: clinical testing. Allele origin: germline.
Comment: This sequence change replaces asparagine with aspartic acid at codon 395 of the TULP1 protein (p.Asn395Asp). The asparagine residue is weakly conserved and there is a small physicochemical difference between asparagine and aspartic acid. This variant is not present in population databases (gnomAD no frequency). This variant has not been reported in the literature in individuals affected with TULP1-related conditions. ClinVar contains an entry for this variant (Variation ID: 1506625). Invitae Evidence Modeling of protein sequence and biophysical properties (such as structural, functional, and spatial information, amino acid conservation, physicochemical variation, residue mobility, and thermodynamic stability) indicates that this missense variant is not expected to disrupt TULP1 protein function with a negative predictive value of 95%. In summary, the available evidence is currently insufficient to determine the role of this variant in disease. Therefore, it has been classified as a Variant of Uncertain Significance.

NM_003322.6(TULP1):c.1183A>G (p.Asn395Asp)

Gene: TULP1 (TUB like protein 1; minus strand). Cytogenetic location: 6p21.31.
Variant type: single nucleotide variant.
Coding change: c.1183A>G on transcript NM_003322.6 (MANE Select); coding-DNA position 1183, A replaced by G.
Protein change: p.Asn395Asp; replaces asparagine 395 with aspartic acid.
Molecular consequence: missense variant.
Genome position (GRCh38, 1-based): chr6:35,503,778, T>C on the plus strand (A>G on the coding strand, the complement: TULP1 is on the minus strand). VCF-style: chr6-35503778-T-C. GRCh37 (hg19) VCF-style: chr6-35471555-T-C.
Other names: c.1024A>G, p.Asn342Asp (NM_001289395.2); c.1183A>G (NM_003322.3); short protein forms N342D, N395D.
Identifiers: ClinVar variation 1506625 (VCV001506625.9), dbSNP rs1761022430, ClinGen allele CA363779326.